The following is an entry in ClinVar:

NM_001035.3(RYR2):c.3823G>A (p.Gly1275Ser)

Genes: RYR2 (ryanodine receptor 2; plus strand), LOC126806067 (BRD4-independent group 4 enhancer GRCh37_chr1:237753258-237754457; plus strand). Cytogenetic location: 1q43.
Variant type: single nucleotide variant.
Coding change: c.3823G>A on transcript NM_001035.3 (MANE Select); coding-DNA position 3823, G replaced by A.
Protein change: p.Gly1275Ser; replaces glycine 1275 with serine.
Molecular consequence: missense variant.
Genome position (GRCh38, 1-based): chr1:237,590,655, G>A. VCF-style: chr1-237590655-G-A. GRCh37 (hg19) VCF-style: chr1-237753955-G-A.
Other names: p.G1275S:GGC>AGC; c.3823G>A, p.Gly1275Ser (LRG_402t1); short protein forms G1275S.
Identifiers: ClinVar variation 201241 (VCV000201241.15), dbSNP rs769294223, ClinGen allele CA009366.
Genomic context (GRCh38, chr1:237,590,655, plus strand): 5'-GACAATGGTGATTGGAATGTGAACTATCGCTTCTTCGTTTGCTAGGTGACCAGAATAGAC[G>A]GCACCATAGACAGTTCCCCATGTTTAAAGGTCACTCAGAAGTCTTTTGGTTCTCAGAACA-3'
Protein context (NP_001026.2, residues 1265-1285): HEHIEVTRID[Gly1275Ser]TIDSSPCLKV

ClinVar aggregate classification (germline): Uncertain significance. Review status: criteria provided, multiple submitters, no conflicts (2 of 4 stars). 7 submissions from 6 submitters: Uncertain significance (7). Last evaluated 2025-07-02.

Conditions:
Cardiovascular phenotype. Identifiers: MedGen CN230736.
Catecholaminergic polymorphic ventricular tachycardia (CVPT). Also called: Catecholamine-induced polymorphic ventricular tachycardia. Identifiers: Orphanet 3286, MedGen C5574922, MONDO:0017990.
Catecholaminergic polymorphic ventricular tachycardia 1. Also called: RYR2-Related Catecholaminergic Polymorphic Ventricular Tachycardia; VENTRICULAR TACHYCARDIA, CATECHOLAMINERGIC POLYMORPHIC, 1, WITH OR WITHOUT ATRIAL DYSFUNCTION AND/OR DILATED CARDIOMYOPATHY; VENTRICULAR TACHYCARDIA, STRESS-INDUCED POLYMORPHIC 1. Identifiers: Orphanet 3286, MedGen C1631597, MONDO:0011484, OMIM 604772.
Cardiomyopathy (CMYO). Also called: Cardiomyopathies. Identifiers: Orphanet 167848, MedGen C0878544, MONDO:0004994, HP:0001638. Inheritance: Various modes of inheritance.
Arrhythmogenic right ventricular dysplasia 2. Identifiers: MedGen C1832931.

Allele frequency attached by ClinVar (database versions not stated): gnomAD exomes below 0.00001 and 0.00001; TOPMed below 0.00001; ExAC 0.00001; gnomAD 0.00001.
gnomAD v4.1: 2 of 1,528,150 alleles (0.00013%); highest among the groups gnomAD compares: African/African-American, 0.0014%; no homozygotes.

Submissions (7):

Color Diagnostics, LLC DBA Color Health
Classification: Uncertain significance for Cardiomyopathy. Last evaluated: 2025-07-02. Review status: criteria provided, single submitter. Criteria: ACMG Guidelines, 2015. Collection method: clinical testing. Allele origin: germline.
Comment: This missense variant replaces glycine with serine at codon 1275 of the RYR2 protein. Computational prediction suggests that this variant may have a deleterious impact on protein structure and function. To our knowledge, functional studies have not been reported for this variant. This variant has been reported in an individual affected with dilated cardiomyopathy (PMID: 37198425) and in an individual affected with cardiomyopathy or arrhythmia (PMID: 33954932). This variant has been identified in 3/221018 chromosomes in the general population by the Genome Aggregation Database (gnomAD). The available evidence is insufficient to determine the role of this variant in disease conclusively. Therefore, this variant is classified as a Variant of Uncertain Significance.

All of Us Research Program, National Institutes of Health
Classification: Uncertain significance for Catecholaminergic polymorphic ventricular tachycardia. Last evaluated: 2024-03-05. Review status: criteria provided, single submitter. Criteria: ACMG Guidelines, 2015. Collection method: clinical testing. Allele origin: germline. Inheritance: Autosomal dominant inheritance. Observed: 1 variant allele, 1 heterozygote.
Comment: This study involves interpretation of variants in research participants for the purpose of population health screening. Participant phenotype was not available at the time of variant classification. Additional details can be found in publication PMID: 35346344, PMCID: PMC8962531

Labcorp Genetics (formerly Invitae), Labcorp
Classification: Uncertain significance for Catecholaminergic polymorphic ventricular tachycardia 1. Last evaluated: 2023-09-18. Review status: criteria provided, single submitter. Criteria: Invitae Variant Classification Sherloc (09022015). Collection method: clinical testing. Allele origin: germline.
Comment: This sequence change replaces glycine, which is neutral and non-polar, with serine, which is neutral and polar, at codon 1275 of the RYR2 protein (p.Gly1275Ser). This variant is present in population databases (rs769294223, gnomAD 0.006%). This variant has not been reported in the literature in individuals affected with RYR2-related conditions. ClinVar contains an entry for this variant (Variation ID: 201241). Advanced modeling of protein sequence and biophysical properties (such as structural, functional, and spatial information, amino acid conservation, physicochemical variation, residue mobility, and thermodynamic stability) has been performed at Invitae for this missense variant, however the output from this modeling did not meet the statistical confidence thresholds required to predict the impact of this variant on RYR2 protein function. Algorithms developed to predict the effect of sequence changes on RNA splicing suggest that this variant may disrupt the consensus splice site. In summary, the available evidence is currently insufficient to determine the role of this variant in disease. Therefore, it has been classified as a Variant of Uncertain Significance.

Ambry Genetics
Classification: Uncertain significance for Cardiovascular phenotype. Last evaluated: 2018-06-04. Review status: criteria provided, single submitter. Criteria: Ambry Variant Classification Scheme 2023. Collection method: clinical testing. Allele origin: germline.
Comment: The p.G1275S variant (also known as c.3823G>A), located in coding exon 31 of the RYR2 gene, results from a G to A substitution at nucleotide position 3823. The glycine at codon 1275 is replaced by serine, an amino acid with similar properties. This amino acid position is highly conserved in available vertebrate species. In addition, this alteration is predicted to be deleterious by in silico analysis. Since supporting evidence is limited at this time, the clinical significance of this alteration remains unclear.

Illumina Laboratory Services, Illumina
Classification: Uncertain significance for Catecholaminergic polymorphic ventricular tachycardia 1. Last evaluated: 2018-01-12. Review status: criteria provided, single submitter. Criteria: ICSL Variant Classification Criteria 13 December 2019. Collection method: clinical testing. Allele origin: germline.

Illumina Laboratory Services, Illumina
Classification: Uncertain significance for Catecholaminergic polymorphic ventricular tachycardia 1. Last evaluated: 2018-01-12. Review status: criteria provided, single submitter. Criteria: ICSL Variant Classification Criteria 13 December 2019. Collection method: clinical testing. Allele origin: germline.

GeneDx
Classification: Uncertain significance. Last evaluated: 2017-08-23. Review status: criteria provided, single submitter. Criteria: GeneDx Variant Classification (06012015). Collection method: clinical testing. Allele origin: germline. Affected: yes.
Comment: p.Gly1275Ser (GGC>AGC): c.3823 G>A in exon 31 of the RYR2 gene (NM_001035.2). The G1275S variant in the RYR2 gene has not been reported as a disease-causing mutation or as a benign polymorphism to our knowledge. The G1275S variant was not observed in approximately 6000 individuals of European and African American ancestry in the NHLBI Exome Sequencing Project, indicating it is not a common benign variant in these populations. The G1275S variant is a non-conservative amino acid substitution as these residues differ in polarity, charge, size and/or other properties and is more likely to impact secondary structure. The G1275 residue is conserved across species. In silico algorithms are not consistent in their predictions but at least two concur that G1275S is possibly damaging to the protein structure/function. However, the G1275S variant is not located in any of the mutation hot spot" regions in the RYR2 gene (Medeiros-Domingo A et al., 2009), and no mutations in nearby residues have been reported in association with cardiomyopathy, indicating thisregion of the protein may be tolerant of change. With the clinical and molecular information available at this time, we cannot definitively determine if G1275S is a disease-causing mutation or a rare benign variant. The variant is found in CARDIOMYOPATHY panel(s)."

Literature cited by the submitters: PubMed 33954932 (cited by Color Diagnostics, LLC DBA Color Health); PubMed 37198425 (cited by Color Diagnostics, LLC DBA Color Health).